The following is an entry in ClinVar:

ClinVar aggregate classification (germline): Conflicting classifications of pathogenicity. Review status: criteria provided, conflicting classifications (1 of 4 stars). 4 submissions from 4 submitters: Uncertain significance (1); Likely benign (3). Last evaluated 2026-05-26.

Conditions:
Familial melanoma. Also called: Hereditary melanoma; Hereditary cutaneous melanoma. Identifiers: Orphanet 618, MedGen C1512419, MONDO:0018961.
Hereditary cancer-predisposing syndrome. Also called: Neoplastic Syndromes, Hereditary; Tumor predisposition; Hereditary Cancer Syndrome; Hereditary neoplastic syndrome. Identifiers: Orphanet 140162, MedGen C0027672, MeSH D009386, MONDO:0015356.

Allele frequency attached by ClinVar (database versions not stated): gnomAD 0.00001; gnomAD exomes 0.00002; ExAC 0.00007; 1000 Genomes Project 30x 0.00016; 1000 Genomes Project 0.00020.
gnomAD v4.1: 23 of 1,605,526 alleles (0.0014%); highest among the groups gnomAD compares: South Asian, 0.023%; no homozygotes.

Submissions (4):

Ambry Genetics
Classification: Uncertain significance for Hereditary cancer-predisposing syndrome. Last evaluated: 2026-05-26. Review status: criteria provided, single submitter. Criteria: Ambry Variant Classification Scheme 2023. Collection method: clinical testing. Allele origin: germline.
Comment: The c.288G>A variant (also known as p.V96V), located in coding exon 2 of the CDKN2A gene, results from a G to A substitution at nucleotide position 288. This nucleotide substitution does not change the amino acid at codon 96. Of note, this variant is also known as p.A111T (c.331G>A)in the p14(ARF) isoform and results from a alanine to threonine substitution at amino acid position 111. The evidence supporting a relationship between p14(ARF) and melanoma-pancreatic cancer syndrome is limited; therefore, the association of this variant with this gene-disease relationship is unknown. However, the association of this variant in the p16 isoform with melanoma-pancreatic cancer syndrome is unlikely.

Labcorp Genetics (formerly Invitae), Labcorp
Classification: Likely benign for Familial melanoma. Last evaluated: 2025-09-02. Review status: criteria provided, single submitter. Criteria: Invitae Variant Classification Sherloc (09022015). Collection method: clinical testing. Allele origin: germline.

Color Diagnostics, LLC DBA Color Health
Classification: Likely benign for Hereditary cancer-predisposing syndrome. Last evaluated: 2022-06-30. Review status: criteria provided, single submitter. Criteria: ACMG Guidelines, 2015. Collection method: clinical testing. Allele origin: germline.

Quest Diagnostics Nichols Institute San Juan Capistrano
Classification: Likely benign. Last evaluated: 2020-11-10. Review status: criteria provided, single submitter. Criteria: Quest Diagnostics criteria. Collection method: clinical testing. Allele origin: unknown.

NM_000077.5(CDKN2A):c.288G>A (p.Val96=)

Gene: CDKN2A (cyclin dependent kinase inhibitor 2A; minus strand). Cytogenetic location: 9p21.3.
Variant type: single nucleotide variant.
Coding change: c.288G>A on transcript NM_000077.5; coding-DNA position 288, G replaced by A.
Protein change: p.Val96=; no amino-acid change (valine 96 retained).
Molecular consequence: synonymous variant (on NM_000077.6). On other transcripts: missense variant (1), 3 prime UTR variant (1).
Genome position (GRCh38, 1-based): chr9:21,971,071, C>T on the plus strand (G>A on the coding strand, the complement: CDKN2A is on the minus strand). VCF-style: chr9-21971071-C-T. GRCh37 (hg19) VCF-style: chr9-21971070-C-T.
Other names: c.288G>A, p.Val96= (NM_000077.6, NM_001195132.2); c.135G>A, p.Val45= (NM_001363763.2); c.331G>A, p.Ala111Thr (NM_058195.4); c.*211G>A (NM_058197.5); short protein forms A111T.
Identifiers: ClinVar variation 821947 (VCV000821947.9), dbSNP rs557319056, ClinGen allele CA5012195.
Genomic context (GRCh38, chr9:21,971,071, plus strand): 5'-GTCCACGGGCAGACGGCCCCAGGCATCGCGCACGTCCAGCCGCGCCCCGGCCCGGTGCAG[C>T]ACCACCAGCGTGTCCAGGAAGCCCTCCCGGGCAGCGTCGTGCACGGGTCGGGTGAGAGTG-3'
Protein context (NP_000068.1, residues 86-106): AREGFLDTLV[Val96=]LHRAGARLDV